The following is an entry in ClinVar:

NM_003482.4(KMT2D):c.15617A>C (p.Tyr5206Ser)

Gene: KMT2D (lysine methyltransferase 2D; minus strand). Cytogenetic location: 12q13.12.
Variant type: single nucleotide variant.
Coding change: c.15617A>C on transcript NM_003482.4 (MANE Select); coding-DNA position 15617, A replaced by C.
Protein change: p.Tyr5206Ser; replaces tyrosine 5206 with serine.
Molecular consequence: missense variant.
Genome position (GRCh38, 1-based): chr12:49,026,349, T>G on the plus strand (A>C on the coding strand, the complement: KMT2D is on the minus strand). VCF-style: chr12-49026349-T-G. GRCh37 (hg19) VCF-style: chr12-49420132-T-G.
Other names: short protein forms Y5206S.
Identifiers: ClinVar variation 1801024 (VCV001801024.1), dbSNP rs2499035535, ClinGen allele CA384686328.
Genomic context (GRCh38, chr12:49,026,349, plus strand): 5'-CAGCGACGATTGTTGGTGCGGAGGCTCCAATAGATGCGCGTGGCCTCGTAGCCCACGGGA[T>G]AGAGGGCAGTGGCACTATGAAAGTCAGCCATCTGGTGAGGCAGCAGCTGTCCGATGGCGT-3'
Protein context (NP_003473.3, residues 5196-5216): MADFHSATAL[Tyr5206Ser]PVGYEATRIY

ClinVar aggregate classification (germline): Uncertain significance (1 of 4 stars; one submission).

Submission:

GeneDx
Classification: Uncertain significance. Last evaluated: 2022-05-22. Review status: criteria provided, single submitter. Criteria: GeneDx Variant Classification Process June 2021. Collection method: clinical testing. Allele origin: germline. Affected: yes.
Comment: Not observed at significant frequency in large population cohorts (gnomAD); In silico analysis supports that this missense variant has a deleterious effect on protein structure/function; Has not been previously published as pathogenic or benign to our knowledge